The following is an entry in ClinVar:

ClinVar aggregate classification (germline): Pathogenic (1 of 4 stars; one submission).

Conditions:
Wilson disease (WND). Also called: Wilson's disease. Identifiers: Orphanet 905, MedGen C0019202, MONDO:0010200, OMIM 277900. Disease mechanism: loss of function.

Submission:

3billion
Classification: Pathogenic for Wilson disease. Last evaluated: 2025-04-21. Review status: criteria provided, single submitter. Criteria: ACMG Guidelines, 2015. Collection method: clinical testing. Allele origin: germline. Affected: yes.
Comment: The variant is not observed in the gnomAD v4.1.0 dataset.Predicted Consequence/Location: Frameshift: predicted to result in a loss or disruption of normal protein function through nonsense-mediated decay (NMD) or protein truncation. Multiple pathogenic variants are reported downstream of the variant. The variant was homozygous. Therefore, this variant is classified as Pathogenic according to the recommendation of ACMG/AMP guideline.

NM_000053.4(ATP7B):c.352del (p.Asp118fs)

Gene: ATP7B (ATPase copper transporting beta; minus strand). Cytogenetic location: 13q14.3.
Variant type: Deletion.
Coding change: c.352del on transcript NM_000053.4 (MANE Select); coding-DNA position 352, one base deleted (G; older notation c.352delG).
Protein change: p.Asp118fs; shifts the reading frame from aspartic acid 118.
Molecular consequence: frameshift variant.
Genome position (GRCh38, 1-based): chr13:51,974,868, C deleted on the plus strand (G on the coding strand, the reverse complement: ATP7B is on the minus strand); the first of 4 consecutive C bases (chr13:51,974,868-51,974,871); deleting any one gives the same sequence. VCF-style (leftmost placement, unchanged base first): chr13-51974867-TC-T. GRCh37 (hg19) VCF-style: chr13-52549003-TC-T.
Other names: c.352del, p.Asp118fs (NM_001406541.1, NM_001406542.1, NM_001406545.1 and 30 more transcripts); c.256del, p.Asp86fs (NM_001406543.1, NM_001406544.1, NM_001406517.1 and 4 more transcripts); short protein forms D118fs, D86fs.
Identifiers: ClinVar variation 4291891 (VCV004291891.1).